The following is an entry in ClinVar:

NM_000264.5(PTCH1):c.2634C>T (p.Asp878=)

Gene: PTCH1 (patched 1; minus strand). Cytogenetic location: 9q22.32.
Variant type: single nucleotide variant.
Coding change: c.2634C>T on transcript NM_000264.5 (MANE Select); coding-DNA position 2634, C replaced by T.
Protein change: p.Asp878=; no amino-acid change (aspartic acid 878 retained).
Molecular consequence: synonymous variant. On other transcripts: non-coding transcript variant (1).
Genome position (GRCh38, 1-based): chr9:95,461,925, G>A on the plus strand (C>T on the coding strand, the complement: PTCH1 is on the minus strand). VCF-style: chr9-95461925-G-A. GRCh37 (hg19) VCF-style: chr9-98224207-G-A.
Other names: c.2436C>T, p.Asp812= (NM_001083602.3); c.2631C>T, p.Asp877= (NM_001083603.3); c.2181C>T, p.Asp727= (NM_001083604.3, NM_001083605.3, NM_001083606.3 and 1 more transcripts); c.2478C>T, p.Asp826= (NM_001354918.2); c.2634C>T (NM_000264.4).
Identifiers: ClinVar variation 219901 (VCV000219901.32), dbSNP rs771732591, ClinGen allele CA348316.

ClinVar aggregate classification (germline): Benign/Likely benign. Review status: criteria provided, multiple submitters, no conflicts (2 of 4 stars). 5 submissions from 5 submitters: Benign (1); Likely benign (4). Last evaluated 2026-01-28.

Conditions:
Hereditary cancer-predisposing syndrome. Also called: Tumor predisposition; Hereditary neoplastic syndrome; Neoplastic Syndromes, Hereditary; Hereditary Cancer Syndrome. Identifiers: Orphanet 140162, MedGen C0027672, MeSH D009386, MONDO:0015356.
Gorlin syndrome. Also called: Nevoid Basal Cell Carcinoma Syndrome; Basal cell nevus syndrome. Identifiers: Orphanet 377, MedGen C0004779, MONDO:0007187.

Allele frequency attached by ClinVar (database versions not stated): TOPMed 0.00006.
gnomAD v4.1: 119 of 1,614,118 alleles (0.0074%); highest among the groups gnomAD compares: African/African-American, 0.013%; no homozygotes.

Submissions (5):

Labcorp Genetics (formerly Invitae), Labcorp
Classification: Likely benign for Gorlin syndrome. Last evaluated: 2026-01-28. Review status: criteria provided, single submitter. Criteria: Invitae Variant Classification Sherloc (09022015). Collection method: clinical testing. Allele origin: germline.

Quest Diagnostics Nichols Institute San Juan Capistrano
Classification: Benign. Last evaluated: 2025-02-13. Review status: criteria provided, single submitter. Criteria: Quest Diagnostics criteria. Collection method: clinical testing. Allele origin: unknown.

Sema4
Classification: Likely benign for Hereditary cancer-predisposing syndrome. Last evaluated: 2022-03-05. Review status: criteria provided, single submitter. Criteria: Sema4 Curation Guidelines. Collection method: curation. Allele origin: germline.

GeneDx
Classification: Likely benign. Last evaluated: 2018-06-20. Review status: criteria provided, single submitter. Criteria: GeneDx Variant Classification (06012015). Collection method: clinical testing. Allele origin: germline. Affected: yes.
Comment: This variant is considered likely benign or benign based on one or more of the following criteria: it is a conservative change, it occurs at a poorly conserved position in the protein, it is predicted to be benign by multiple in silico algorithms, and/or has population frequency not consistent with disease.

Ambry Genetics
Classification: Likely benign for Hereditary cancer-predisposing syndrome. Last evaluated: 2017-05-22. Review status: criteria provided, single submitter. Criteria: Ambry Variant Classification Scheme 2023. Collection method: clinical testing. Allele origin: germline.

Literature cited by the submitters: PubMed 32409749 (cited by Quest Diagnostics Nichols Institute San Juan Capistrano).